The following is an entry in ClinVar:

ClinVar aggregate classification (germline): Uncertain significance (1 of 4 stars; one submission).

Conditions:
Inborn genetic diseases. Identifiers: MedGen C0950123, MeSH D030342.

Submission:

Ambry Genetics
Classification: Uncertain significance for Inborn genetic diseases. Last evaluated: 2025-12-10. Review status: criteria provided, single submitter. Criteria: Ambry Variant Classification Scheme 2023. Collection method: clinical testing. Allele origin: germline.
Comment: The p.L398W variant (also known as c.1193T>G), located in coding exon 10 of the FANCG gene, results from a T to G substitution at nucleotide position 1193. The leucine at codon 398 is replaced by tryptophan, an amino acid with similar properties. This amino acid position is conserved. In addition, the in silico prediction for this alteration is inconclusive. Based on the available evidence, the clinical significance of this variant remains unclear.

NM_004629.2(FANCG):c.1193T>G (p.Leu398Trp)

Gene: FANCG (FA complementation group G; minus strand). Cytogenetic location: 9p13.3.
Variant type: single nucleotide variant.
Coding change: c.1193T>G on transcript NM_004629.2 (MANE Select); coding-DNA position 1193, T replaced by G.
Protein change: p.Leu398Trp; replaces leucine 398 with tryptophan.
Molecular consequence: missense variant.
Genome position (GRCh38, 1-based): chr9:35,075,705, A>C on the plus strand (T>G on the coding strand, the complement: FANCG is on the minus strand). VCF-style: chr9-35075705-A-C. GRCh37 (hg19) VCF-style: chr9-35075702-A-C.
Other names: short protein forms L398W.
Identifiers: ClinVar variation 4619402 (VCV004619402.1).